The following is an entry in ClinVar:

NM_025137.4(SPG11):c.1008-5T>G

Gene: SPG11 (SPG11 vesicle trafficking associated, spatacsin; minus strand). Cytogenetic location: 15q21.1.
Variant type: single nucleotide variant.
Coding change: c.1008-5T>G on transcript NM_025137.4 (MANE Select); 5 bases into the intron before coding-DNA position 1008, T replaced by G.
Molecular consequence: intron variant.
Genome position (GRCh38, 1-based): chr15:44,651,944, A>C on the plus strand (T>G on the coding strand, the complement: SPG11 is on the minus strand). VCF-style: chr15-44651944-A-C. GRCh37 (hg19) VCF-style: chr15-44944142-A-C.
Other names: c.1008-5T>G (NM_001160227.2).
Identifiers: ClinVar variation 1789360 (VCV001789360.5), dbSNP rs759451349, ClinGen allele CA7535635.
Genomic context (GRCh38, chr15:44,651,944, plus strand): 5'-CCAGTTTGGAGTTCTTTATTGTTTCATTCAATGATGATAGCTGGGCTTTCCAAGACCTGG[A>C]AACAAGGTAAAATATAACTTAACACCTGTCACAGTAAAAGGCACTATGTAAAACACTAAA-3'

ClinVar aggregate classification (germline): Conflicting classifications of pathogenicity. Review status: criteria provided, conflicting classifications (1 of 4 stars). 2 submissions from 2 submitters: Uncertain significance (1); Likely benign (1). Last evaluated 2024-05-31.

Conditions:
Inborn genetic diseases. Identifiers: MedGen C0950123, MeSH D030342.
Hereditary spastic paraplegia 11. Also called: Spastic paraplegia, mental retardation and thin corpus callosum; SPASTIC PARAPLEGIA, AUTOSOMAL RECESSIVE, COMPLICATED, WITH THIN CORPUS CALLOSUM; SPASTIC PARAPLEGIA, AUTOSOMAL RECESSIVE, WITH MENTAL IMPAIRMENT AND THIN CORPUS CALLOSUM; Spastic Paraplegia 11; Nakamura Osame syndrome; Autosomal recessive hereditary spastic paraplegia, mental impairment, and thin corpus callosum. Identifiers: Orphanet 2822, MedGen C1858479, MONDO:0011445, OMIM 604360.

Allele frequency attached by ClinVar (database versions not stated): ExAC 0.00001.
gnomAD v4.1: 13 of 1,608,582 alleles (0.00081%); highest among the groups gnomAD compares: Non-Finnish European, 0.0011%; no homozygotes.

Submissions (2):

Labcorp Genetics (formerly Invitae), Labcorp
Classification: Likely benign for Hereditary spastic paraplegia 11. Last evaluated: 2024-05-31. Review status: criteria provided, single submitter. Criteria: Invitae Variant Classification Sherloc (09022015). Collection method: clinical testing. Allele origin: germline.

Ambry Genetics
Classification: Uncertain significance for Inborn genetic diseases. Last evaluated: 2022-02-28. Review status: criteria provided, single submitter. Criteria: Ambry Variant Classification Scheme 2023. Collection method: clinical testing. Allele origin: germline.
Comment: The c.1008-5T>G intronic variant results from a T to G substitution 5 nucleotides upstream from coding exon 6 in the SPG11 gene. This nucleotide position is well conserved in available vertebrate species. In silico splice site analysis for this alteration is inconclusive. Since supporting evidence is limited at this time, the clinical significance of this alteration remains unclear.